The following is an entry in ClinVar:

NM_000426.4(LAMA2):c.6073G>C (p.Ala2025Pro)

Gene: LAMA2 (laminin subunit alpha 2; plus strand). Cytogenetic location: 6q22.33.
Variant type: single nucleotide variant.
Coding change: c.6073G>C on transcript NM_000426.4 (MANE Select); coding-DNA position 6073, G replaced by C.
Protein change: p.Ala2025Pro; replaces alanine 2025 with proline.
Molecular consequence: missense variant.
Genome position (GRCh38, 1-based): chr6:129,438,750, G>C. VCF-style: chr6-129438750-G-C. GRCh37 (hg19) VCF-style: chr6-129759895-G-C.
Other names: c.6073G>C, p.Ala2025Pro (NM_001079823.2); short protein forms A2025P.
Identifiers: ClinVar variation 648444 (VCV000648444.6), dbSNP rs556367686, ClinGen allele CA3994088.

ClinVar aggregate classification (germline): Uncertain significance (1 of 4 stars; one submission).

Conditions:
LAMA2-related muscular dystrophy (LAMA2-RD). Also called: Laminin alpha 2-related dystrophy. Identifiers: MedGen C5679788, MONDO:0100228.

gnomAD v4.1: 2 of 1,547,100 alleles (0.00013%); highest among the groups gnomAD compares: East Asian, 0.0045%; no homozygotes.

Submission:

Labcorp Genetics (formerly Invitae), Labcorp
Classification: Uncertain significance for LAMA2-related muscular dystrophy. Last evaluated: 2021-08-27. Review status: criteria provided, single submitter. Criteria: Invitae Variant Classification Sherloc (09022015). Collection method: clinical testing. Allele origin: germline.
Comment: This sequence change replaces alanine with proline at codon 2025 of the LAMA2 protein (p.Ala2025Pro). The alanine residue is moderately conserved and there is a small physicochemical difference between alanine and proline. This variant is present in population databases (rs556367686, ExAC 0.01%). This variant has not been reported in the literature in individuals affected with LAMA2-related conditions. ClinVar contains an entry for this variant (Variation ID: 648444). Algorithms developed to predict the effect of missense changes on protein structure and function are either unavailable or do not agree on the potential impact of this missense change (SIFT: "Tolerated"; PolyPhen-2: "Possibly Damaging"; Align-GVGD: "Class C0"). In summary, the available evidence is currently insufficient to determine the role of this variant in disease. Therefore, it has been classified as a Variant of Uncertain Significance.